The following is an entry in ClinVar:

ClinVar aggregate classification (germline): Likely benign (1 of 4 stars; one submission).

Allele frequency attached by ClinVar (database versions not stated): TOPMed below 0.00001.

Submission:

GeneDx
Classification: Likely benign. Last evaluated: 2016-08-31. Review status: criteria provided, single submitter. Criteria: GeneDx Variant Classification (06012015). Collection method: clinical testing. Allele origin: germline. Affected: yes.
Comment: This variant is considered likely benign or benign based on one or more of the following criteria: it is a conservative change, it occurs at a poorly conserved position in the protein, it is predicted to be benign by multiple in silico algorithms, and/or has population frequency not consistent with disease.

NM_024407.5(NDUFS7):c.591G>C (p.Leu197=)

Gene: NDUFS7 (NADH:ubiquinone oxidoreductase core subunit S7; plus strand). Cytogenetic location: 19p13.3.
Variant type: single nucleotide variant.
Coding change: c.591G>C on transcript NM_024407.5 (MANE Select); coding-DNA position 591, G replaced by C.
Protein change: p.Leu197=; no amino-acid change (leucine 197 retained).
Molecular consequence: synonymous variant. On other transcripts: 3 prime UTR variant (1).
Genome position (GRCh38, 1-based): chr19:1,395,437, G>C. VCF-style: chr19-1395437-G-C. GRCh37 (hg19) VCF-style: chr19-1395436-G-C.
Other names: c.*1015G>C (NM_001363602.2).
Identifiers: ClinVar variation 388729 (VCV000388729.1), dbSNP rs1057523217, ClinGen allele CA16608182.